The following is an entry in ClinVar:

NM_001349338.3(FOXP1):c.2014G>A (p.Val672Ile)

Gene: FOXP1 (forkhead box P1; minus strand). Cytogenetic location: 3p13.
Variant type: single nucleotide variant.
Coding change: c.2014G>A on transcript NM_001349338.3 (MANE Select); coding-DNA position 2014, G replaced by A.
Protein change: p.Val672Ile; replaces valine 672 with isoleucine.
Molecular consequence: missense variant. On other transcripts: non-coding transcript variant (2).
Genome position (GRCh38, 1-based): chr3:70,959,267, C>T on the plus strand (G>A on the coding strand, the complement: FOXP1 is on the minus strand). VCF-style: chr3-70959267-C-T. GRCh37 (hg19) VCF-style: chr3-71008418-C-T.
Other names: c.2011G>A, p.Val671Ile (NM_001244808.3, NM_001349341.3); c.2062G>A, p.Val688Ile (NM_001244810.2); c.1786G>A, p.Val596Ile (NM_001244812.3); c.1714G>A, p.Val572Ile (NM_001244813.3, NM_001244815.2, NM_001349342.3); c.2014G>A, p.Val672Ile (NM_001244814.3, NM_001244816.2, NM_001349340.3 and 1 more transcripts); c.1711G>A, p.Val571Ile (NM_001349337.2, NM_001349343.3, NM_001349344.3 and 1 more transcripts); short protein forms V671I, V672I, V572I, V596I, V688I, V571I.
Identifiers: ClinVar variation 2770001 (VCV002770001.3), dbSNP rs774470005, ClinGen allele CA2490756.
Genomic context (GRCh38, chr3:70,959,267, plus strand): 5'-TTTTCCAATCTTCATTCTCGGGGTTGGCCCGCCCCGATAGTCACTCCATGTCCTCGTTTA[C>T]TGGTTCATCTTCGTAATCTCTGTCATGGTCAAAATCTGGACTGTGGTTGGCTGTTGTCAC-3'
Protein context (NP_001336267.1, residues 662-677): DHDRDYEDEP[Val672Ile]NEDME

ClinVar aggregate classification (germline): Uncertain significance (1 of 4 stars; one submission).

Allele frequency attached by ClinVar (database versions not stated): gnomAD exomes below 0.00001; ExAC 0.00001.
gnomAD v4.1: 1 of 1,613,500 alleles (0.000062%); highest among the groups gnomAD compares: Non-Finnish European, 0.000085%; no homozygotes.

Submission:

Labcorp Genetics (formerly Invitae), Labcorp
Classification: Uncertain significance. Last evaluated: 2025-04-10. Review status: criteria provided, single submitter. Criteria: Invitae Variant Classification Sherloc (09022015). Collection method: clinical testing. Allele origin: germline.
Comment: This sequence change replaces valine, which is neutral and non-polar, with isoleucine, which is neutral and non-polar, at codon 672 of the FOXP1 protein (p.Val672Ile). This variant is present in population databases (rs774470005, gnomAD 0.0009%). This variant has not been reported in the literature in individuals affected with FOXP1-related conditions. ClinVar contains an entry for this variant (Variation ID: 2770001). Invitae Evidence Modeling of protein sequence and biophysical properties (such as structural, functional, and spatial information, amino acid conservation, physicochemical variation, residue mobility, and thermodynamic stability) indicates that this missense variant is not expected to disrupt FOXP1 protein function with a negative predictive value of 80%. In summary, the available evidence is currently insufficient to determine the role of this variant in disease. Therefore, it has been classified as a Variant of Uncertain Significance.